The following is an entry in ClinVar:

ClinVar aggregate classification (germline): Likely pathogenic (1 of 4 stars; one submission).

Conditions:
Lethal multiple pterygium syndrome (LMPS). Identifiers: Orphanet 33108, MedGen C1854678, MONDO:0009668, OMIM 253290.

Submission:

OLLIN Analises Genomicas, OLLIN
Classification: Likely pathogenic for Lethal multiple pterygium syndrome. Last evaluated: 2026-08-06. Review status: criteria provided, single submitter. Criteria: ACMG Guidelines 2015 PMID 25741868. Collection method: clinical testing. Allele origin: germline. Inheritance: Autosomal recessive inheritance.
Comment: This frameshift variant, located in exon 5 (of 9), is absent from gnomAD and ClinVar and has not been identified in the literature. This variant causes a frameshift and introduces a premature stop codon, which is predicted to result in either a truncated protein or degradation of the mRNA via nonsense-mediated decay (NMD). According to the currently available evidence, this variant has been classified as likely pathogenic (PVS1, PM2_P).

NM_000079.4(CHRNA1):c.437_440delinsTGG (p.Ser146fs)

Gene: CHRNA1 (cholinergic receptor nicotinic alpha 1 subunit; minus strand). Cytogenetic location: 2q31.1.
Variant type: Indel.
Coding change: c.437_440delinsTGG on transcript NM_000079.4 (MANE Select); coding-DNA positions 437 to 440, GCTA replaced by TGG.
Protein change: p.Ser146fs; shifts the reading frame from serine 146.
Molecular consequence: frameshift variant.
Genome position (GRCh38, 1-based): chr2:174,754,319-174,754,322, TAGC replaced by CCA on the plus strand (GCTA replaced by TGG on the coding strand, the reverse complement: CHRNA1 is on the minus strand). VCF-style: chr2-174754319-TAGC-CCA. GRCh37 (hg19) VCF-style: chr2-175619047-TAGC-CCA.
Other names: c.512_515delinsTGG, p.Ser171fs (NM_001039523.3); short protein forms S146fs, S171fs.
Identifiers: ClinVar variation 5002776 (VCV005002776.1).